The following is an entry in ClinVar:

ClinVar aggregate classification (germline): Uncertain significance. Review status: criteria provided, multiple submitters, no conflicts (2 of 4 stars). 2 submissions from 2 submitters: Uncertain significance (2). Last evaluated 2025-11-28.

Conditions:
Cardiovascular phenotype. Identifiers: MedGen CN230736.

Allele frequency attached by ClinVar (database versions not stated): 1000 Genomes Project 30x 0.00031; 1000 Genomes Project 0.00020; gnomAD exomes 0.00001; gnomAD 0.00005; TOPMed 0.00011; ExAC 0.00002.

Submissions (2):

Labcorp Genetics (formerly Invitae), Labcorp
Classification: Uncertain significance. Last evaluated: 2025-11-28. Review status: criteria provided, single submitter. Criteria: Invitae Variant Classification Sherloc (09022015). Collection method: clinical testing. Allele origin: germline.
Comment: This sequence change replaces leucine, which is neutral and non-polar, with phenylalanine, which is neutral and non-polar, at codon 14 of the APOC3 protein (p.Leu14Phe). This variant is present in population databases (rs571476926, gnomAD 0.003%). This variant has not been reported in the literature in individuals affected with APOC3-related conditions. ClinVar contains an entry for this variant (Variation ID: 1737833). Experimental studies and prediction algorithms are not available or were not evaluated, and the functional significance of this variant is currently unknown. In summary, the available evidence is currently insufficient to determine the role of this variant in disease. Therefore, it has been classified as a Variant of Uncertain Significance.

Ambry Genetics
Classification: Uncertain significance for Cardiovascular phenotype. Last evaluated: 2025-11-15. Review status: criteria provided, single submitter. Criteria: Ambry Variant Classification Scheme 2023. Collection method: clinical testing. Allele origin: germline.
Comment: The p.L14F variant (also known as c.40C>T), located in coding exon 1 of the APOC3 gene, results from a C to T substitution at nucleotide position 40. The leucine at codon 14 is replaced by phenylalanine, an amino acid with highly similar properties. This amino acid position is conserved. In addition, the in silico prediction for this alteration is inconclusive. Since supporting evidence is limited at this time, the clinical significance of this alteration remains unclear.

NM_000040.3(APOC3):c.40C>T (p.Leu14Phe)

Gene: APOC3 (apolipoprotein C3; plus strand). Cytogenetic location: 11q23.3.
Variant type: single nucleotide variant.
Coding change: c.40C>T on transcript NM_000040.3 (MANE Select); coding-DNA position 40, C replaced by T.
Protein change: p.Leu14Phe; replaces leucine 14 with phenylalanine.
Molecular consequence: missense variant.
Genome position (GRCh38, 1-based): chr11:116,830,622, C>T. VCF-style: chr11-116830622-C-T. GRCh37 (hg19) VCF-style: chr11-116701338-C-T.
Other names: short protein forms L14F.
Identifiers: ClinVar variation 1737833 (VCV001737833.7), dbSNP rs571476926, ClinGen allele CA6289617.
Genomic context (GRCh38, chr11:116,830,622, plus strand): 5'-CCTTGCAGGAACAGAGGTGCCATGCAGCCCCGGGTACTCCTTGTTGTTGCCCTCCTGGCG[C>T]TCCTGGCCTCTGCCCGTAAGCACTTGGTGGGACTGGGCTGGGGGCAGGGTGGAGGCAACT-3'
Protein context (NP_000031.1, residues 4-24): RVLLVVALLA[Leu14Phe]LASARASEAE